The following is an entry in ClinVar:

NM_000059.4(BRCA2):c.7219_7220del (p.Val2407fs)

Gene: BRCA2 (BRCA2 DNA repair associated; plus strand). Cytogenetic location: 13q13.1.
Variant type: Deletion.
Coding change: c.7219_7220del on transcript NM_000059.4 (MANE Select); coding-DNA positions 7219 to 7220, 2 bases deleted (GT; older notation c.7219_7220delGT).
Protein change: p.Val2407fs; shifts the reading frame from valine 2407.
Molecular consequence: frameshift variant.
Genome position (GRCh38, 1-based): chr13:32,355,072-32,355,073, GT deleted; deleting any 2 consecutive bases within chr13:32,355,071-32,355,073 gives the same sequence; the c. name uses the placement nearest the transcript's 3' end. VCF-style (leftmost placement, unchanged base first): chr13-32355070-TTG-T. GRCh37 (hg19) VCF-style: chr13-32929207-TTG-T.
Other names: short protein forms V2407fs.
Identifiers: ClinVar variation 1353404 (VCV001353404.7), dbSNP rs2137556981, ClinGen allele CA2573149370.

ClinVar aggregate classification (germline): Pathogenic/Likely pathogenic. Review status: criteria provided, multiple submitters, no conflicts (2 of 4 stars). 2 submissions from 2 submitters: Pathogenic (1); Likely pathogenic (1). Last evaluated 2021-08-02.

Conditions:
Hereditary breast ovarian cancer syndrome. Also called: BRCA1- and BRCA2-Associated Hereditary Breast and Ovarian Cancer; Hereditary breast and ovarian cancer; Hereditary breast and ovarian cancer syndrome; Hereditary breast and ovarian cancer syndrome (HBOC); Breast and ovarian cancer; Hereditary breast and/or ovarian cancer syndrome. Identifiers: Orphanet 145, MedGen C0677776, MeSH D061325, MONDO:0003582. Disease mechanism: loss of function.

Submissions (2):

Labcorp Genetics (formerly Invitae), Labcorp
Classification: Pathogenic for Hereditary breast ovarian cancer syndrome. Last evaluated: 2021-08-02. Review status: criteria provided, single submitter. Criteria: Invitae Variant Classification Sherloc (09022015). Collection method: clinical testing. Allele origin: germline.
Comment: For these reasons, this variant has been classified as Pathogenic. This variant has not been reported in the literature in individuals affected with BRCA2-related conditions. This variant is not present in population databases (ExAC no frequency). This sequence change creates a premature translational stop signal (p.Val2407Serfs*4) in the BRCA2 gene. It is expected to result in an absent or disrupted protein product. Loss-of-function variants in BRCA2 are known to be pathogenic (PMID: 20104584).

Laboratory for Molecular Medicine, Mass General Brigham Personalized Medicine
Classification: Likely pathogenic for Hereditary breast ovarian cancer syndrome. Last evaluated: 2019-10-14. Review status: criteria provided, single submitter. Criteria: ACMG Guidelines, 2015. Collection method: clinical testing. Allele origin: germline.
Comment: The p.Val2407SerfsX4 variant in BRCA2 has not been previously reported in individuals with hereditary breast and/or ovarian cancer (HBOC) and was absent from large population studies. This variant is predicted to cause a frameshift, which alters the protein’s amino acid sequence beginning at position 2407 and leads to a premature termination codon 4 amino acids downstream. This alteration is then predicted to lead to a truncated or absent protein. Loss of function of the BRCA2 gene is an established disease mechanism in autosomal dominant HBOC. In summary, although additional studies are required to fully establish its clinical significance, this variant meets criteria to be classified as likely pathogenic for autosomal dominant HBOC. ACMG/AMP Criteria applied: PVS1, PM2.

Literature cited by the submitters: PubMed 20104584 (cited by Labcorp Genetics (formerly Invitae), Labcorp).